The following is an entry in ClinVar:

ClinVar aggregate classification (germline): Uncertain significance (1 of 4 stars; one submission).

gnomAD v4.1: 69 of 1,613,750 alleles (0.0043%); highest among the groups gnomAD compares: East Asian, 0.0067%; no homozygotes.

Submission:

Labcorp Genetics (formerly Invitae), Labcorp
Classification: Uncertain significance. Last evaluated: 2022-05-05. Review status: criteria provided, single submitter. Criteria: Invitae Variant Classification Sherloc (09022015). Collection method: clinical testing. Allele origin: germline.
Comment: This sequence change replaces proline, which is neutral and non-polar, with histidine, which is basic and polar, at codon 629 of the FRAS1 protein (p.Pro629His). This variant is present in population databases (rs187365033, gnomAD 0.02%). This variant has not been reported in the literature in individuals affected with FRAS1-related conditions. Algorithms developed to predict the effect of missense changes on protein structure and function are either unavailable or do not agree on the potential impact of this missense change (SIFT: "Deleterious"; PolyPhen-2: "Benign"; Align-GVGD: "Class C0"). In summary, the available evidence is currently insufficient to determine the role of this variant in disease. Therefore, it has been classified as a Variant of Uncertain Significance.

NM_025074.7(FRAS1):c.1886C>A (p.Pro629His)

Gene: FRAS1 (Fraser extracellular matrix complex subunit 1; plus strand). Cytogenetic location: 4q21.21.
Variant type: single nucleotide variant.
Coding change: c.1886C>A on transcript NM_025074.7 (MANE Select); coding-DNA position 1886, C replaced by A.
Protein change: p.Pro629His; replaces proline 629 with histidine.
Molecular consequence: missense variant.
Genome position (GRCh38, 1-based): chr4:78,317,434, C>A. VCF-style: chr4-78317434-C-A. GRCh37 (hg19) VCF-style: chr4-79238588-C-A.
Other names: c.1886C>A, p.Pro629His (NM_001166133.2); short protein forms P629H.
Identifiers: ClinVar variation 1909481 (VCV001909481.2), dbSNP rs187365033, ClinGen allele CA2976473.
Genomic context (GRCh38, chr4:78,317,434, plus strand): 5'-ATAACTCATGTGCCAGCTGCTCTGGGCCCACACCCTCTCACTGTACAGCCTGCAGCCCCC[C>A]CAAGGCTCTGCGTCAAGGCCACTGTCTGCCCCGCTGTGGAGAGGGTTTCTACTCTGACCA-3'
Protein context (NP_079350.5, residues 619-639): TPSHCTACSP[Pro629His]KALRQGHCLP